The following is an entry in ClinVar:

NM_001752.4(CAT):c.480+5G>A

Gene: CAT (catalase; plus strand). Cytogenetic location: 11p13.
Variant type: single nucleotide variant.
Coding change: c.480+5G>A on transcript NM_001752.4 (MANE Select); 5 bases into the intron after coding-DNA position 480, G replaced by A.
Molecular consequence: intron variant.
Genome position (GRCh38, 1-based): chr11:34,452,212, G>A. VCF-style: chr11-34452212-G-A. GRCh37 (hg19) VCF-style: chr11-34473759-G-A.
Other names: IVS4, G-A, +5.
Identifiers: ClinVar variation 17599 (VCV000017599.5), dbSNP rs761650208, ClinGen allele CA5944313.

ClinVar aggregate classification (germline): Likely pathogenic. Review status: criteria provided, multiple submitters, no conflicts (2 of 4 stars). 3 submissions from 3 submitters: Likely pathogenic (2). 1 of the submissions does not count toward it. Last evaluated 2025-12-22.

Conditions:
Acatalasia. Also called: ACATALASEMIA, HUNGARIAN TYPE; CATALASE DEFICIENCY. Identifiers: Orphanet 926, MedGen C0268419, MONDO:0013571, OMIM 614097.
Acatalasemia, japanese type. Identifiers: MedGen C2936847.

Allele frequency attached by ClinVar (database versions not stated): TOPMed 0.00001; gnomAD exomes 0.00003 and 0.00002; ExAC 0.00002; gnomAD 0.00001.
gnomAD v4.1: 45 of 1,613,322 alleles (0.0028%); highest among the groups gnomAD compares: East Asian, 0.087%; no homozygotes.

Submissions (3):

Dasa
Classification: Likely pathogenic. Last evaluated: 2025-12-22. Review status: criteria provided, single submitter. Criteria: DASA Assertion Criteria. Collection method: clinical testing. Allele origin: germline.
Comment: NM_001752.4(CAT):c.480+5G>A is a splice-region variant predicted to affect normal RNA splicing. This variant has been recurrently observed in individuals with CAT-related disorders (PMID: 2308162; PMID: 38030260). Functional evidence supports an impact on the gene or gene product (PMID: 2308162; PMID: 38030260; PMID: 1551654; PMID: 35480487). Also, this variant is rare in population databases. Based on the currently available evidence, this variant is classified as likely pathogenic.

Juno Genomics, Hangzhou Juno Genomics, Inc
Classification: Likely pathogenic for Acatalasia. Review status: criteria provided, single submitter. Criteria: ACMG Guidelines, 2015. Collection method: clinical testing. Allele origin: germline.
Comment: Absent from controls (or at extremely low frequency if recessive) in Genome Aggregation Database.;Null variant in a gene where loss of function (LOF) is a known mechanism of disease.;For recessive disorders, detected in trans with a pathogenic variant.;Patient's phenotype or family history is highly specific for a disease with a single genetic etiology.

OMIM
Classification: Pathogenic for ACATALASEMIA, JAPANESE TYPE. Last evaluated: 1992-03-01. Review status: no assertion criteria provided. Collection method: literature only. Allele origin: germline. Not counted in ClinVar's aggregate classification.

Literature cited by the submitters: PubMed 2308162 (cited by Dasa and OMIM); PubMed 38030260 (cited by Dasa); PubMed 1551654 (cited by Dasa and OMIM); PubMed 35480487 (cited by Dasa).